The following is an entry in ClinVar:

NM_018670.4(MESP1):c.650G>A (p.Arg217His)

Genes: MESP1 (mesoderm posterior bHLH transcription factor 1; minus strand), LOC130057888 (ATAC-STARR-seq lymphoblastoid silent region 6803; plus strand). Cytogenetic location: 15q26.1.
Variant type: single nucleotide variant.
Coding change: c.650G>A on transcript NM_018670.4 (MANE Select); coding-DNA position 650, G replaced by A.
Protein change: p.Arg217His; replaces arginine 217 with histidine.
Molecular consequence: missense variant.
Genome position (GRCh38, 1-based): chr15:89,750,582, C>T on the plus strand (G>A on the coding strand, the complement: MESP1 is on the minus strand). VCF-style: chr15-89750582-C-T. GRCh37 (hg19) VCF-style: chr15-90293813-C-T.
Other names: c.650G>A (NM_018670.3); short protein forms R217H.
Identifiers: ClinVar variation 1600508 (VCV001600508.11), dbSNP rs144221449, ClinGen allele CA7730166.
Genomic context (GRCh38, chr15:89,750,582, plus strand): 5'-CTTGGCTCCATCGCCTGCCCTTCAGGGCACGCCGCCTCGGCGAACAGCGCAGGCGGGTCG[C>T]GCGGCTCGGGTGCAGCTCGGGCTCCGGGGCAGGCAGGCGGGGATCCCCAGGACGCCCCGG-3'
Protein context (NP_061140.1, residues 207-227): CPGARAAPEP[Arg217His]DPPALFAEAA

ClinVar aggregate classification (germline): Benign. Review status: criteria provided, multiple submitters, no conflicts (2 of 4 stars). 3 submissions from 3 submitters: Benign (2). 1 of the submissions does not count toward it. Last evaluated 2026-01-14.

Conditions:
MESP1-related disorder. Also called: MESP1-related condition.

Allele frequency attached by ClinVar (database versions not stated): gnomAD exomes 0.00120; gnomAD 0.00826 and 0.00757; 1000 Genomes Project 0.00879; TOPMed 0.00891; ExAC 0.00329; 1000 Genomes Project 30x 0.00906.
gnomAD v4.1: 1,912 of 1,416,434 alleles (0.13%); highest among the groups gnomAD compares: African/African-American, 2.6%; 21 homozygotes.

Submissions (3):

Labcorp Genetics (formerly Invitae), Labcorp
Classification: Benign. Last evaluated: 2026-01-14. Review status: criteria provided, single submitter. Criteria: Invitae Variant Classification Sherloc (09022015). Collection method: clinical testing. Allele origin: germline.

Breakthrough Genomics
Classification: Benign. Review status: criteria provided, single submitter. Criteria: ACMG Guidelines, 2015. Collection method: not provided. Allele origin: germline. Inheritance: Unknown mechanism. Affected: yes.

PreventionGenetics, part of Exact Sciences
Classification: Benign for MESP1-related condition. Last evaluated: 2019-04-01. Review status: no assertion criteria provided. Collection method: clinical testing. Allele origin: germline. Not counted in ClinVar's aggregate classification.
Comment: This variant is classified as benign based on ACMG/AMP sequence variant interpretation guidelines (Richards et al. 2015 PMID: 25741868, with internal and published modifications).